The following is an entry in ClinVar:

NM_030665.4(RAI1):c.749del (p.Pro250fs)

Gene: RAI1 (retinoic acid induced 1; plus strand). Cytogenetic location: 17p11.2.
Variant type: Deletion.
Coding change: c.749del on transcript NM_030665.4 (MANE Select); coding-DNA position 749, one base deleted (C; older notation c.749delC).
Protein change: p.Pro250fs; shifts the reading frame from proline 250.
Molecular consequence: frameshift variant.
Genome position (GRCh38, 1-based): chr17:17,793,697, C deleted; the last of 2 consecutive C bases (chr17:17,793,696-17,793,697); deleting either gives the same sequence. VCF-style (leftmost placement, unchanged base first): chr17-17793695-GC-G. GRCh37 (hg19) VCF-style: chr17-17697009-GC-G.
Other names: short protein forms P250fs.
Identifiers: ClinVar variation 4853957 (VCV004853957.1).

ClinVar aggregate classification (germline): Likely pathogenic (1 of 4 stars; one submission).

Conditions:
Smith-Magenis syndrome (SMS). Also called: CHROMOSOME 17p11.2 DELETION SYNDROME. Identifiers: Orphanet 819, MedGen C0795864, MONDO:0008434, OMIM 182290.

Submission:

3billion
Classification: Likely pathogenic for Smith-Magenis syndrome. Last evaluated: 2025-08-07. Review status: criteria provided, single submitter. Criteria: ACMG Guidelines, 2015. Collection method: clinical testing. Allele origin: germline. Affected: yes.
Comment: The variant is not observed in the gnomAD v4.1.0 dataset. Predicted Consequence/Location: Frameshift: predicted to result in a loss or disruption of normal protein function through nonsense-mediated decay (NMD) or protein truncation. Multiple pathogenic variants are reported downstream of the variant. Therefore, this variant is classified as Likely pathogenic according to the recommendation of ACMG/AMP guideline.